The following is an entry in ClinVar:

NM_004999.4(MYO6):c.2003G>T (p.Cys668Phe)

Gene: MYO6 (myosin VI; plus strand). Cytogenetic location: 6q14.1.
Variant type: single nucleotide variant.
Coding change: c.2003G>T on transcript NM_004999.4 (MANE Select); coding-DNA position 2003, G replaced by T.
Protein change: p.Cys668Phe; replaces cysteine 668 with phenylalanine.
Molecular consequence: missense variant. On other transcripts: non-coding transcript variant (1).
Genome position (GRCh38, 1-based): chr6:75,873,226, G>T. VCF-style: chr6-75873226-G-T. GRCh37 (hg19) VCF-style: chr6-76582943-G-T.
Other names: c.2003G>T, p.Cys668Phe (NM_001300899.2, NM_001368136.1, NM_001368137.1 and 2 more transcripts); c.1988G>T, p.Cys663Phe (NM_001368138.1); short protein forms C663F, C668F.
Identifiers: ClinVar variation 3383144 (VCV003383144.2).

ClinVar aggregate classification (germline): Uncertain significance (1 of 4 stars; one submission).

Conditions:
Autosomal recessive nonsyndromic hearing loss 37. Identifiers: Orphanet 90636, MedGen C1843028, MONDO:0011912, OMIM 607821.
Autosomal dominant nonsyndromic hearing loss 22. Also called: DFNA 22; Autosomal dominant nonsyndromic deafness 22. Identifiers: Orphanet 228012, MedGen C2931767, MONDO:0011660, OMIM 606346.

Submission:

Juno Genomics, Hangzhou Juno Genomics, Inc
Classification: Uncertain significance for Autosomal dominant nonsyndromic hearing loss 22; Autosomal recessive nonsyndromic hearing loss 37. Review status: criteria provided, single submitter. Criteria: ACMG Guidelines, 2015. Collection method: clinical testing. Allele origin: germline. Affected: yes.
Comment: Absent from controls (or at extremely low frequency if recessive) in Genome Aggregation Database, Exome Sequencing Project, 1000 Genomes Project, or Exome Aggregation Consortium.;Multiple lines of computational evidence support a deleterious effect on the gene or gene product (conservation, evolutionary, splicing impact, etc).